The following is an entry in ClinVar:

ClinVar aggregate classification (germline): Uncertain significance. Review status: criteria provided, multiple submitters, no conflicts (2 of 4 stars). 2 submissions from 2 submitters: Uncertain significance (2). Last evaluated 2024-02-15.

Conditions:
Episodic ataxia type 1 (EA1). Also called: ATAXIA, EPISODIC, WITH MYOKYMIA; Episodic ataxia/myokymia syndrome; MYOKYMIA WITH PERIODIC ATAXIA; PAROXYSMAL ATAXIA WITH NEUROMYOTONIA, HEREDITARY. Identifiers: Orphanet 37612, Orphanet 972, MedGen C1719788, MONDO:0008047, OMIM 160120.

Allele frequency attached by ClinVar (database versions not stated): TOPMed below 0.00001; gnomAD 0.00001.

Submissions (2):

Mayo Clinic Laboratories, Mayo Clinic
Classification: Uncertain significance. Last evaluated: 2024-02-15. Review status: criteria provided, single submitter. Criteria: ACMG Guidelines, 2015. Collection method: clinical testing. Allele origin: germline. Observed: 1 variant allele.
Comment: BP5, PP2

Labcorp Genetics (formerly Invitae), Labcorp
Classification: Uncertain significance for Episodic ataxia type 1. Last evaluated: 2022-06-13. Review status: criteria provided, single submitter. Criteria: Invitae Variant Classification Sherloc (09022015). Collection method: clinical testing. Allele origin: germline.
Comment: Algorithms developed to predict the effect of missense changes on protein structure and function (SIFT, PolyPhen-2, Align-GVGD) all suggest that this variant is likely to be disruptive. This sequence change replaces glutamic acid, which is acidic and polar, with lysine, which is basic and polar, at codon 121 of the KCNA1 protein (p.Glu121Lys). This variant is not present in population databases (gnomAD no frequency). This variant has not been reported in the literature in individuals affected with KCNA1-related conditions. ClinVar contains an entry for this variant (Variation ID: 1014549). In summary, the available evidence is currently insufficient to determine the role of this variant in disease. Therefore, it has been classified as a Variant of Uncertain Significance.

NM_000217.3(KCNA1):c.361G>A (p.Glu121Lys)

Gene: KCNA1 (potassium voltage-gated channel subfamily A member 1; plus strand). Cytogenetic location: 12p13.32.
Variant type: single nucleotide variant.
Coding change: c.361G>A on transcript NM_000217.3 (MANE Select); coding-DNA position 361, G replaced by A.
Protein change: p.Glu121Lys; replaces glutamic acid 121 with lysine.
Molecular consequence: missense variant.
Genome position (GRCh38, 1-based): chr12:4,911,739, G>A. VCF-style: chr12-4911739-G-A. GRCh37 (hg19) VCF-style: chr12-5020905-G-A.
Other names: p.Glu121Lys; short protein forms E121K.
Identifiers: ClinVar variation 1014549 (VCV001014549.7), dbSNP rs1463513823, ClinGen allele CA383454382.